The following is an entry in ClinVar:

ClinVar aggregate classification (germline): Uncertain significance (1 of 4 stars; one submission).

Conditions:
3-Methylglutaconic aciduria type 2 (BTHS). Also called: Barth syndrome; CARDIOSKELETAL MYOPATHY WITH NEUTROPENIA AND ABNORMAL MITOCHONDRIA. Identifiers: Orphanet 111, MedGen C0574083, MONDO:0010543, OMIM 302060.

Allele frequency attached by ClinVar (database versions not stated): gnomAD exomes below 0.00001.

Submission:

Labcorp Genetics (formerly Invitae), Labcorp
Classification: Uncertain significance for 3-Methylglutaconic aciduria type 2. Last evaluated: 2026-01-14. Review status: criteria provided, single submitter. Criteria: Invitae Variant Classification Sherloc (09022015). Collection method: clinical testing. Allele origin: germline.
Comment: This sequence change replaces arginine, which is basic and polar, with glutamine, which is neutral and polar, at codon 263 of the TAZ protein (p.Arg263Gln). The frequency data for this variant in the population databases is considered unreliable, as metrics indicate poor data quality at this position in the gnomAD database. This variant has not been reported in the literature in individuals affected with TAZ-related conditions. ClinVar contains an entry for this variant (Variation ID: 2200456). An algorithm developed to predict the effect of missense changes on protein structure and function (PolyPhen-2) suggests that this variant is likely to be disruptive. In summary, the available evidence is currently insufficient to determine the role of this variant in disease. Therefore, it has been classified as a Variant of Uncertain Significance.

NM_000116.5(TAFAZZIN):c.788G>A (p.Arg263Gln)

Gene: TAFAZZIN (tafazzin, phospholipid-lysophospholipid transacylase; plus strand). Cytogenetic location: Xq28.
Variant type: single nucleotide variant.
Coding change: c.788G>A on transcript NM_000116.5 (MANE Select); coding-DNA position 788, G replaced by A.
Protein change: p.Arg263Gln; replaces arginine 263 with glutamine.
Molecular consequence: missense variant. On other transcripts: non-coding transcript variant (1).
Genome position (GRCh38, 1-based): chrX:154,420,913, G>A. VCF-style: chrX-154420913-G-A. GRCh37 (hg19) VCF-style: chrX-153649252-G-A.
Other names: c.800G>A, p.Arg267Gln (NM_001303465.2); c.752G>A, p.Arg251Gln (NM_001410698.1); c.698G>A, p.Arg233Gln (NM_181311.4); c.746G>A, p.Arg249Gln (NM_181312.4); c.656G>A, p.Arg219Gln (NM_181313.4); short protein forms R233Q, R249Q, R219Q, R251Q, R263Q, R267Q.
Identifiers: ClinVar variation 2200456 (VCV002200456.3), dbSNP rs1557194476, ClinGen allele CA415185606.
Genomic context (GRCh38, chrX:154,420,913, plus strand): 5'-TTGGCCAAGCTTCCCGAGGGGTGCAGGCCATCCCTGGTCCTTTCCCTCAGGTGGAGATGC[G>A]GAAAGCCCTGACGGACTTCATTCAAGAGGAATTCCAGCATCTGAAGACTCAGGCAGAGCA-3'
Protein context (NP_000107.1, residues 253-273): RAENKSAVEM[Arg263Gln]KALTDFIQEE